The following is an entry in ClinVar:

NM_000257.4(MYH7):c.991G>C (p.Ala331Pro)

Gene: MYH7 (myosin heavy chain 7; minus strand). Cytogenetic location: 14q11.2.
Variant type: single nucleotide variant.
Coding change: c.991G>C on transcript NM_000257.4 (MANE Select); coding-DNA position 991, G replaced by C.
Protein change: p.Ala331Pro; replaces alanine 331 with proline.
Molecular consequence: missense variant.
Genome position (GRCh38, 1-based): chr14:23,430,568, C>G on the plus strand (G>C on the coding strand, the complement: MYH7 is on the minus strand). VCF-style: chr14-23430568-C-G. GRCh37 (hg19) VCF-style: chr14-23899777-C-G.
Other names: short protein forms A331P.
Identifiers: ClinVar variation 43118 (VCV000043118.8), dbSNP rs397516276, ClinGen allele CA017071.

ClinVar aggregate classification (germline): Uncertain significance. Review status: criteria provided, multiple submitters, no conflicts (2 of 4 stars). 4 submissions from 4 submitters: Uncertain significance (4). Last evaluated 2025-08-14.

Conditions:
Cardiovascular phenotype. Identifiers: MedGen CN230736.

Submissions (4):

GeneDx
Classification: Uncertain significance. Last evaluated: 2025-08-14. Review status: criteria provided, single submitter. Criteria: GeneDx Variant Classification Process June 2021. Collection method: clinical testing. Allele origin: germline. Affected: yes.
Comment: Has not been previously published as pathogenic or benign to our knowledge; Not observed in large population cohorts (gnomAD); In silico analysis supports that this missense variant has a deleterious effect on protein structure/function; This variant is associated with the following publications: (PMID: 27532257, 29300372)

Mayo Clinic Laboratories, Mayo Clinic
Classification: Uncertain significance. Last evaluated: 2025-04-08. Review status: criteria provided, single submitter. Criteria: ACMG Guidelines, 2015. Collection method: clinical testing. Allele origin: germline. Observed: 1 variant allele.
Comment: PP3, PM1, PM2_supporting

Ambry Genetics
Classification: Uncertain significance for Cardiovascular phenotype. Last evaluated: 2024-03-15. Review status: criteria provided, single submitter. Criteria: Ambry Variant Classification Scheme 2023. Collection method: clinical testing. Allele origin: germline.
Comment: The p.A331P variant (also known as c.991G>C), located in coding exon 9 of the MYH7 gene, results from a G to C substitution at nucleotide position 991. The alanine at codon 331 is replaced by proline, an amino acid with highly similar properties. This amino acid position is highly conserved in available vertebrate species. In addition, this alteration is predicted to be deleterious by in silico analysis. Based on the available evidence, the clinical significance of this alteration remains unclear.

Laboratory for Molecular Medicine, Mass General Brigham Personalized Medicine
Classification: Uncertain significance. Last evaluated: 2014-01-10. Review status: criteria provided, single submitter. Criteria: LMM Criteria. Collection method: clinical testing. Allele origin: germline. Observed: 2 variant alleles.
Comment: proposed classification - variant undergoing re-assessment, contact laboratory